The following is an entry in ClinVar:

NM_005592.4(MUSK):c.2140G>C (p.Ala714Pro)

Gene: MUSK (muscle associated receptor tyrosine kinase; plus strand). Cytogenetic location: 9q31.3.
Variant type: single nucleotide variant.
Coding change: c.2140G>C on transcript NM_005592.4 (MANE Select); coding-DNA position 2140, G replaced by C.
Protein change: p.Ala714Pro; replaces alanine 714 with proline.
Molecular consequence: missense variant.
Genome position (GRCh38, 1-based): chr9:110,800,518, G>C. VCF-style: chr9-110800518-G-C. GRCh37 (hg19) VCF-style: chr9-113562798-G-C.
Other names: c.1882G>C, p.Ala628Pro (NM_001166280.2); c.1852G>C, p.Ala618Pro (NM_001166281.2); c.880G>C, p.Ala294Pro (NM_001369398.1); short protein forms A294P, A628P, A618P, A714P.
Identifiers: ClinVar variation 1381013 (VCV001381013.8), dbSNP rs1377981904, ClinGen allele CA374478227.
Genomic context (GRCh38, chr9:110,800,518, plus strand): 5'-CCCCCACCCCTCTCCTGTGCTGAGCAGCTTTGCATTGCCAGGCAGGTGGCAGCTGGCATG[G>C]CTTACCTCTCAGAACGTAAGTTTGTTCACCGAGATTTAGCCACCAGGAACTGCCTGGTGG-3'
Protein context (NP_005583.1, residues 704-724): CIARQVAAGM[Ala714Pro]YLSERKFVHR

ClinVar aggregate classification (germline): Uncertain significance (1 of 4 stars; one submission).

Conditions:
Fetal akinesia deformation sequence 1 (FADS1). Also called: Fetal akinesia sequence; Pena-Shokeir syndrome type I. Identifiers: Orphanet 994, MedGen C1276035, MONDO:0100101, OMIM 208150, HP:0001989.
Congenital myasthenic syndrome 9. Also called: Myasthenic syndrome, congenital, 9, associated with acetylcholine receptor deficiency. Identifiers: Orphanet 590, MedGen C4225368, MONDO:0014587, OMIM 616325.

Allele frequency attached by ClinVar (database versions not stated): gnomAD 0.00001; gnomAD exomes 0.00001 and 0.00002; TOPMed 0.00001.
gnomAD v4.1: 23 of 1,613,814 alleles (0.0014%); highest among the groups gnomAD compares: Non-Finnish European, 0.0019%; no homozygotes.

Submission:

Labcorp Genetics (formerly Invitae), Labcorp
Classification: Uncertain significance for Congenital myasthenic syndrome 9; Fetal akinesia deformation sequence 1. Last evaluated: 2022-08-09. Review status: criteria provided, single submitter. Criteria: Invitae Variant Classification Sherloc (09022015). Collection method: clinical testing. Allele origin: germline.
Comment: This sequence change replaces alanine, which is neutral and non-polar, with proline, which is neutral and non-polar, at codon 714 of the MUSK protein (p.Ala714Pro). This variant is present in population databases (no rsID available, gnomAD 0.002%). This variant has not been reported in the literature in individuals affected with MUSK-related conditions. ClinVar contains an entry for this variant (Variation ID: 1381013). Advanced modeling of protein sequence and biophysical properties (such as structural, functional, and spatial information, amino acid conservation, physicochemical variation, residue mobility, and thermodynamic stability) performed at Invitae indicates that this missense variant is expected to disrupt MUSK protein function. In summary, the available evidence is currently insufficient to determine the role of this variant in disease. Therefore, it has been classified as a Variant of Uncertain Significance.